The following is an entry in ClinVar:

ClinVar aggregate classification (germline): Likely pathogenic (1 of 4 stars; one submission).

Conditions:
Hypotonia, infantile, with psychomotor retardation and characteristic facies 3 (IHPRF3). Also called: TBCK-Related Neurodevelopmental Disorder. Identifiers: Orphanet 488632, MedGen C5567480, MONDO:0014823, OMIM 616900.

Submission:

Laboratorio de Genetica e Diagnostico Molecular, Hospital Israelita Albert Einstein
Classification: Likely pathogenic for Hypotonia, infantile, with psychomotor retardation and characteristic facies 3. Last evaluated: 2021-09-21. Review status: criteria provided, single submitter. Criteria: ACMG Guidelines, 2015. Collection method: clinical testing. Allele origin: germline. Affected: yes.
Comment: ACMG classification criteria: PVS1 very strong, PM2 moderate

NM_001163435.3(TBCK):c.677T>A (p.Leu226Ter)

Gene: TBCK (TBC1 domain containing kinase; minus strand). Cytogenetic location: 4q24.
Variant type: single nucleotide variant.
Coding change: c.677T>A on transcript NM_001163435.3 (MANE Select); coding-DNA position 677, T replaced by A.
Protein change: p.Leu226Ter; replaces leucine 226 with a stop codon.
Molecular consequence: nonsense.
Genome position (GRCh38, 1-based): chr4:106,248,964, A>T on the plus strand (T>A on the coding strand, the complement: TBCK is on the minus strand). VCF-style: chr4-106248964-A-T. GRCh37 (hg19) VCF-style: chr4-107170121-A-T.
Other names: c.677T>A, p.Leu226Ter (NM_001163436.4); c.560T>A, p.Leu187Ter (NM_001163437.3); c.161T>A, p.Leu54Ter (NM_001290768.2); c.488T>A, p.Leu163Ter (NM_033115.5); short protein forms L163*, L187*, L226*, L54*.
Identifiers: ClinVar variation 1683548 (VCV001683548.2), dbSNP rs758167759, ClinGen allele CA357825165.